The following is an entry in ClinVar:

ClinVar aggregate classification (germline): Likely benign (0 of 4 stars; one submission).

Conditions:
PLXNA3-related disorder. Also called: PLXNA3-related condition.

gnomAD v4.1: 29 of 1,200,781 alleles (0.0024%); highest among the groups gnomAD compares: East Asian, 0.009%; no homozygotes.

Submission:

PreventionGenetics, part of Exact Sciences
Classification: Likely benign for PLXNA3-related condition. Last evaluated: 2024-05-10. Review status: no assertion criteria provided. Collection method: clinical testing. Allele origin: germline.
Comment: This variant is classified as likely benign based on ACMG/AMP sequence variant interpretation guidelines (Richards et al. 2015 PMID: 25741868, with internal and published modifications).

NM_017514.5(PLXNA3):c.1590C>T (p.His530=)

Gene: PLXNA3 (plexin A3; plus strand). Cytogenetic location: Xq28.
Variant type: single nucleotide variant.
Coding change: c.1590C>T on transcript NM_017514.5 (MANE Select); coding-DNA position 1590, C replaced by T.
Protein change: p.His530=; no amino-acid change (histidine 530 retained).
Molecular consequence: synonymous variant.
Genome position (GRCh38, 1-based): chrX:154,463,993, C>T. VCF-style: chrX-154463993-C-T. GRCh37 (hg19) VCF-style: chrX-153692336-C-T.
Identifiers: ClinVar variation 3358602 (VCV003358602.1).